The following is an entry in ClinVar:

ClinVar aggregate classification (germline): Benign/Likely benign. Review status: criteria provided, single submitter (1 of 4 stars). 2 submissions from 1 submitter: Benign (1); Likely benign (1). Last evaluated 2018-01-13.

Conditions:
Noonan syndrome 5 (NS5). Also called: RAF1-Related Noonan Syndrome. Identifiers: Orphanet 648, MedGen C1969057, MONDO:0012690, OMIM 611553. Disease mechanism: gain of function.
LEOPARD syndrome 2 (LPRD2). Also called: RAF1-Related LEOPARD Syndrome. Identifiers: Orphanet 500, MedGen C1969056, MONDO:0012691, OMIM 611554.

Allele frequency attached by ClinVar (database versions not stated): gnomAD 0.00013 and 0.00023; TOPMed 0.00050; gnomAD exomes 0.00053; 1000 Genomes Project 30x 0.00219; 1000 Genomes Project 0.00220.
gnomAD v4.1: 124 of 327,868 alleles (0.038%); highest among the groups gnomAD compares: East Asian, 0.51%; no homozygotes.

Submissions (2):

Illumina Laboratory Services, Illumina
Classification: Likely benign for Noonan syndrome 5. Last evaluated: 2018-01-13. Review status: criteria provided, single submitter. Criteria: ICSL Variant Classification Criteria 13 December 2019. Collection method: clinical testing. Allele origin: germline.
Comment: This variant was observed in the ICSL laboratory as part of a predisposition screen in an ostensibly healthy population. It had not been previously curated by ICSL or reported in the Human Gene Mutation Database (HGMD: prior to June 1st, 2018), and was therefore a candidate for classification through an automated scoring system. Utilizing variant allele frequency, disease prevalence and penetrance estimates, and inheritance mode, an automated score was calculated to assess if this variant is too frequent to cause the disease. Based on the score and internal cut-off values, a variant classified as likely benign is not then subjected to further curation. The score for this variant resulted in a classification of likely benign for this disease.

Illumina Laboratory Services, Illumina
Classification: Benign for LEOPARD syndrome 2. Last evaluated: 2018-01-13. Review status: criteria provided, single submitter. Criteria: ICSL Variant Classification Criteria 13 December 2019. Collection method: clinical testing. Allele origin: germline.
Comment: This variant was observed in the ICSL laboratory as part of a predisposition screen in an ostensibly healthy population. It had not been previously curated by ICSL or reported in the Human Gene Mutation Database (HGMD: prior to June 1st, 2018), and was therefore a candidate for classification through an automated scoring system. Utilizing variant allele frequency, disease prevalence and penetrance estimates, and inheritance mode, an automated score was calculated to assess if this variant is too frequent to cause the disease. Based on the score and internal cut-off values, a variant classified as benign is not then subjected to further curation. The score for this variant resulted in a classification of benign for this disease.

NM_002880.4(RAF1):c.*404G>A

Gene: RAF1 (Raf-1 proto-oncogene, serine/threonine kinase; minus strand). Cytogenetic location: 3p25.2.
Variant type: single nucleotide variant.
Coding change: c.*404G>A on transcript NM_002880.4 (MANE Select); 404 bases downstream of the stop codon, G replaced by A.
Molecular consequence: 3 prime UTR variant. On other transcripts: non-coding transcript variant (3).
Genome position (GRCh38, 1-based): chr3:12,584,110, C>T on the plus strand (G>A on the coding strand, the complement: RAF1 is on the minus strand). VCF-style: chr3-12584110-C-T. GRCh37 (hg19) VCF-style: chr3-12625609-C-T.
Other names: c.*404G>A (NM_001354689.3, NM_001354690.3, NM_001354691.3 and 4 more transcripts).
Identifiers: ClinVar variation 902168 (VCV000902168.4), dbSNP rs150460686, ClinGen allele CA69601594.